The following is an entry in ClinVar:

ClinVar aggregate classification (germline): Uncertain significance (1 of 4 stars; one submission).

Conditions:
Tuberous sclerosis 2 (TSC2). Identifiers: Orphanet 805, MedGen C1860707, MONDO:0013199, OMIM 613254.

Submission:

Labcorp Genetics (formerly Invitae), Labcorp
Classification: Uncertain significance for Tuberous sclerosis 2. Last evaluated: 2021-09-02. Review status: criteria provided, single submitter. Criteria: Invitae Variant Classification Sherloc (09022015). Collection method: clinical testing. Allele origin: germline.
Comment: This variant is not present in population databases (ExAC no frequency). This sequence change replaces serine with isoleucine at codon 1427 of the TSC2 protein (p.Ser1427Ile). The serine residue is weakly conserved and there is a large physicochemical difference between serine and isoleucine. This variant has not been reported in the literature in individuals affected with TSC2-related conditions. Advanced modeling of protein sequence and biophysical properties (such as structural, functional, and spatial information, amino acid conservation, physicochemical variation, residue mobility, and thermodynamic stability) performed at Invitae indicates that this missense variant is not expected to disrupt TSC2 protein function. In summary, the available evidence is currently insufficient to determine the role of this variant in disease. Therefore, it has been classified as a Variant of Uncertain Significance.

NM_000548.5(TSC2):c.4280G>T (p.Ser1427Ile)

Gene: TSC2 (TSC complex subunit 2; plus strand). Cytogenetic location: 16p13.3.
Variant type: single nucleotide variant.
Coding change: c.4280G>T on transcript NM_000548.5 (MANE Select); coding-DNA position 4280, G replaced by T.
Protein change: p.Ser1427Ile; replaces serine 1427 with isoleucine.
Molecular consequence: missense variant.
Genome position (GRCh38, 1-based): chr16:2,084,502, G>T. VCF-style: chr16-2084502-G-T. GRCh37 (hg19) VCF-style: chr16-2134503-G-T.
Other names: c.4079G>T, p.Ser1360Ile (NM_001077183.3); c.4211G>T, p.Ser1404Ile (NM_001114382.3); c.3971G>T, p.Ser1324Ile (NM_001318827.2); c.3935G>T, p.Ser1312Ile (NM_001318829.2); c.3548G>T, p.Ser1183Ile (NM_001318831.2); c.4112G>T, p.Ser1371Ile (NM_001318832.2); c.4082G>T, p.Ser1361Ile (NM_001363528.2); c.4148G>T, p.Ser1383Ile (NM_001370404.1); and 1 more; short protein forms S1183I, S1312I, S1324I, S1427I, S1361I, S1371I, S1404I, S1360I.
Identifiers: ClinVar variation 1472671 (VCV001472671.6), dbSNP rs397515250, ClinGen allele CA394300855.
Genomic context (GRCh38, chr16:2,084,502, plus strand): 5'-TGGGCCGGCTGAGCCCTGAGGTTAAGGCCCGGTCACAGTCAGGGACCCTGGACGGGGAAA[G>T]TGCTGCCTGGTCGGCCTCGGGCGAAGACAGTCGGGGCCAGCCCGAGGGTCCCTTGCCTTC-3'
Protein context (NP_000539.2, residues 1417-1437): RSQSGTLDGE[Ser1427Ile]AAWSASGEDS